The following is an entry in ClinVar:

ClinVar aggregate classification (germline): Pathogenic/Likely pathogenic. Review status: criteria provided, multiple submitters, no conflicts (2 of 4 stars). 2 submissions from 2 submitters: Pathogenic (1); Likely pathogenic (1). Last evaluated 2023-02-20.

Conditions:
Spastic paraplegia. Identifiers: MedGen C0037772, HP:0001258.
Charlevoix-Saguenay spastic ataxia (SACS). Also called: Spastic ataxia of Charlevoix-Saguenay; AUTOSOMAL RECESSIVE SPASTIC ATAXIA OF CHARLEVOIX-SAGUENAY; SPASTIC ATAXIA 6, AUTOSOMAL RECESSIVE. Identifiers: Orphanet 98, MedGen C1849140, MONDO:0010041, OMIM 270550.

Submissions (2):

Labcorp Genetics (formerly Invitae), Labcorp
Classification: Pathogenic for Spastic paraplegia. Last evaluated: 2023-02-20. Review status: criteria provided, single submitter. Criteria: Invitae Variant Classification Sherloc (09022015). Collection method: clinical testing. Allele origin: germline.
Comment: For these reasons, this variant has been classified as Pathogenic. This variant disrupts a region of the SACS protein in which other variant(s) (p.Asn4549Asp) have been determined to be pathogenic (PMID: 15156359, 21507954). This suggests that this is a clinically significant region of the protein, and that variants that disrupt it are likely to be disease-causing. This variant has not been reported in the literature in individuals affected with SACS-related conditions. This variant is not present in population databases (gnomAD no frequency). This sequence change creates a premature translational stop signal (p.Pro2717Glnfs*22) in the SACS gene. While this is not anticipated to result in nonsense mediated decay, it is expected to disrupt the last 1863 amino acid(s) of the SACS protein.

Baylor Genetics
Classification: Likely pathogenic for Charlevoix-Saguenay spastic ataxia. Last evaluated: 2022-10-31. Review status: criteria provided, single submitter. Criteria: ACMG Guidelines, 2015. Collection method: clinical testing. Allele origin: unknown.

Literature cited by the submitters: PubMed 15156359 (cited by Labcorp Genetics (formerly Invitae), Labcorp); PubMed 21507954 (cited by Labcorp Genetics (formerly Invitae), Labcorp).

NM_014363.6(SACS):c.8148del (p.Pro2717fs)

Gene: SACS (sacsin molecular chaperone; minus strand). Cytogenetic location: 13q12.12.
Variant type: Deletion.
Coding change: c.8148del on transcript NM_014363.6 (MANE Select); coding-DNA position 8148, one base deleted (T; older notation c.8148delT).
Protein change: p.Pro2717fs; shifts the reading frame from proline 2717.
Molecular consequence: frameshift variant.
Genome position (GRCh38, 1-based): chr13:23,335,728, A deleted on the plus strand (T on the coding strand, the reverse complement: SACS is on the minus strand); the first of 2 consecutive A bases (chr13:23,335,728-23,335,729); deleting either gives the same sequence. VCF-style (leftmost placement, unchanged base first): chr13-23335727-GA-G. GRCh37 (hg19) VCF-style: chr13-23909866-GA-G.
Other names: c.7707del, p.Pro2570fs (NM_001278055.2); short protein forms P2570fs, P2717fs.
Identifiers: ClinVar variation 2678573 (VCV002678573.4), dbSNP rs2542222360, ClinGen allele CA2695199231.